The following is an entry in ClinVar:

NM_015340.4(LARS2):c.2490G>A (p.Pro830=)

Gene: LARS2 (leucyl-tRNA synthetase 2, mitochondrial; plus strand). Cytogenetic location: 3p21.31.
Variant type: single nucleotide variant.
Coding change: c.2490G>A on transcript NM_015340.4 (MANE Select); coding-DNA position 2490, G replaced by A.
Protein change: p.Pro830=; no amino-acid change (proline 830 retained).
Molecular consequence: synonymous variant.
Genome position (GRCh38, 1-based): chr3:45,541,914, G>A. VCF-style: chr3-45541914-G-A. GRCh37 (hg19) VCF-style: chr3-45583406-G-A.
Other names: c.2490G>A (NM_015340.3); c.2490G>A, p.Pro830= (NM_001368263.1).
Identifiers: ClinVar variation 1120141 (VCV001120141.13), dbSNP rs374014256, ClinGen allele CA2349908.

ClinVar aggregate classification (germline): Likely benign. Review status: criteria provided, multiple submitters, no conflicts (2 of 4 stars). 3 submissions from 3 submitters: Likely benign (3). Last evaluated 2026-04-14.

Conditions:
LARS2-related disorder. Also called: LARS2-related condition.

Allele frequency attached by ClinVar (database versions not stated): TOPMed 0.00005; gnomAD 0.00006 and 0.00004; gnomAD exomes 0.00006; ESP Exome Variant Server 0.00008; ExAC 0.00009; 1000 Genomes Project 30x 0.00016; 1000 Genomes Project 0.00020.
gnomAD v4.1: 53 of 1,614,212 alleles (0.0033%); highest among the groups gnomAD compares: Middle Eastern, 0.016%; no homozygotes.

Submissions (3):

PreventionGenetics, part of Exact Sciences
Classification: Likely benign for LARS2-related condition. Last evaluated: 2026-04-14. Review status: criteria provided, single submitter. Criteria: ACMG Guidelines, 2015. Collection method: clinical testing. Allele origin: germline.
Comment: This variant is classified as likely benign based on ACMG/AMP sequence variant interpretation guidelines (Richards et al. 2015 PMID: 25741868, with internal and published modifications).

Labcorp Genetics (formerly Invitae), Labcorp
Classification: Likely benign. Last evaluated: 2025-12-17. Review status: criteria provided, single submitter. Criteria: Invitae Variant Classification Sherloc (09022015). Collection method: clinical testing. Allele origin: germline.

Laboratory for Molecular Medicine, Mass General Brigham Personalized Medicine
Classification: Likely benign. Last evaluated: 2014-11-24. Review status: criteria provided, single submitter. Criteria: LMM Criteria. Collection method: clinical testing. Allele origin: germline. Observed: 1 variant allele.
Comment: Pro830Pro in exon 21 of LARS2: This variant is not expected to have clinical significance because it does not alter an amino acid residue and is not located within the splice consensus sequence. It has been identified in 1/8600 European American chromosomes from a broad population by the NHLBI Exome Sequencing Project.